The following is an entry in ClinVar:

ClinVar aggregate classification (germline): Uncertain significance. Review status: criteria provided, multiple submitters, no conflicts (2 of 4 stars). 2 submissions from 2 submitters: Uncertain significance (2). Last evaluated 2024-06-11.

Conditions:
Hereditary cancer-predisposing syndrome. Also called: Tumor predisposition; Hereditary Cancer Syndrome; Hereditary neoplastic syndrome; Neoplastic Syndromes, Hereditary. Identifiers: Orphanet 140162, MedGen C0027672, MeSH D009386, MONDO:0015356.
Rhabdoid tumor predisposition syndrome 2 (RTPS2). Identifiers: Orphanet 231108, Orphanet 69077, MedGen C2750074, MONDO:0013224, OMIM 613325.

Submissions (2):

Labcorp Genetics (formerly Invitae), Labcorp
Classification: Uncertain significance for Rhabdoid tumor predisposition syndrome 2. Last evaluated: 2024-06-11. Review status: criteria provided, single submitter. Criteria: Invitae Variant Classification Sherloc (09022015). Collection method: clinical testing. Allele origin: germline.
Comment: This sequence change creates a premature translational stop signal (p.Arg1650*) in the SMARCA4 gene. While this is not anticipated to result in nonsense mediated decay, it is expected to disrupt the last 30 amino acid(s) of the SMARCA4 protein. This variant is not present in population databases (gnomAD no frequency). This variant has not been reported in the literature in individuals affected with SMARCA4-related conditions. ClinVar contains an entry for this variant (Variation ID: 486472). Experimental studies and prediction algorithms are not available or were not evaluated, and the functional significance of this variant is currently unknown. In summary, the available evidence is currently insufficient to determine the role of this variant in disease. Therefore, it has been classified as a Variant of Uncertain Significance.

Ambry Genetics
Classification: Uncertain significance for Hereditary cancer-predisposing syndrome. Last evaluated: 2024-05-01. Review status: criteria provided, single submitter. Criteria: Ambry Variant Classification Scheme 2023. Collection method: clinical testing. Allele origin: germline.
Comment: The p.R1650* variant (also known as c.4948C>T), located in coding exon 34 of the SMARCA4 gene, results from a C to T substitution at nucleotide position 4948. This changes the amino acid from an arginine to a stop codon within coding exon 34. This stop codon occurs at the 3' terminus of the SMARCA4 gene, and impacts the last 29 amino acids of the protein. The exact functional impact of these amino acids is unknown at this time. Premature termination codons located either in the last exon or within 50-55 nucleotides upstream of the 3'-most exon-exon junction usually fail to elicit nonsense mediated decay (NMD) (Maquat LE et al. Nat. Rev. Mol. Cell Biol. 2004 Feb; 5(2):89-99). It is unknown whether or not this variant will trigger nonsense mediated decay NMD. Since supporting evidence is limited at this time, the clinical significance of this alteration remains unclear.

NM_003072.5(SMARCA4):c.4852C>T (p.Arg1618Ter)

Gene: SMARCA4 (SWI/SNF related BAF chromatin remodeling complex subunit ATPase 4; plus strand). Cytogenetic location: 19p13.2.
Variant type: single nucleotide variant.
Coding change: c.4852C>T on transcript NM_003072.5 (MANE Select); coding-DNA position 4852, C replaced by T.
Protein change: p.Arg1618Ter; replaces arginine 1618 with a stop codon.
Molecular consequence: nonsense. On other transcripts: non-coding transcript variant (1).
Genome position (GRCh38, 1-based): chr19:11,060,128, C>T. VCF-style: chr19-11060128-C-T. GRCh37 (hg19) VCF-style: chr19-11170804-C-T.
Other names: c.4852C>T, p.Arg1618Ter (NM_001128844.3); c.4762C>T, p.Arg1588Ter (NM_001128845.2); c.4759C>T, p.Arg1587Ter (NM_001128846.2); c.4753C>T, p.Arg1585Ter (NM_001128847.4, NM_001374457.1); c.4750C>T, p.Arg1584Ter (NM_001128848.2); c.4948C>T, p.Arg1650Ter (NM_001128849.3, NM_001387283.1); short protein forms R1650*, R1584*, R1618*, R1585*, R1588*, R1587*.
Identifiers: ClinVar variation 486472 (VCV000486472.12), dbSNP rs1306144699, ClinGen allele CA404080730.